The following is an entry in ClinVar:

ClinVar aggregate classification (germline): Pathogenic (1 of 4 stars; one submission).

Submission:

Labcorp Genetics (formerly Invitae), Labcorp
Classification: Pathogenic. Last evaluated: 2022-07-01. Review status: criteria provided, single submitter. Criteria: Invitae Variant Classification Sherloc (09022015). Collection method: clinical testing. Allele origin: germline.
Comment: This variant is a gross deletion of the genomic region encompassing exon(s) 5-9 of the USH2A gene. This deletion is out-of-frame, and is expected to create a premature termination codon and result in an absent or disrupted protein product. Loss-of-function variants in USH2A are known to be pathogenic (PMID: 10729113, 10909849, 20507924, 25649381). A similar copy number variant has been observed in individual(s) with retinitis pigmentosa (PMID: 25352746). For these reasons, this variant has been classified as Pathogenic.

Literature cited by the submitters: PubMed 10729113; PubMed 10909849; PubMed 20507924; PubMed 25649381; PubMed 25352746.

NC_000001.10:g.(?_216495205)_(216501016_?)del

Gene: USH2A (usherin; minus strand). Cytogenetic location: 1q41.
Variant type: Deletion.
Identifiers: ClinVar variation 2427768 (VCV002427768.3).